The following is an entry in ClinVar:

NM_207037.2(TCF12):c.769A>G (p.Thr257Ala)

Gene: TCF12 (transcription factor 12; plus strand). Cytogenetic location: 15q21.3.
Variant type: single nucleotide variant.
Coding change: c.769A>G on transcript NM_207037.2 (MANE Select); coding-DNA position 769, A replaced by G.
Protein change: p.Thr257Ala; replaces threonine 257 with alanine.
Molecular consequence: missense variant. On other transcripts: intron variant (1).
Genome position (GRCh38, 1-based): chr15:57,232,374, A>G. VCF-style: chr15-57232374-A-G. GRCh37 (hg19) VCF-style: chr15-57524572-A-G.
Other names: c.259A>G, p.Thr87Ala (NM_001306219.3, NM_207040.2); c.769A>G, p.Thr257Ala (NM_001322151.2, NM_001322152.2, NM_001322157.3 and 7 more transcripts); c.112A>G, p.Thr38Ala (NM_001322154.2); c.595A>G, p.Thr199Ala (NM_001322156.2, NM_001322158.2); c.805A>G, p.Thr269Ala (NM_001322164.2); c.118-338A>G (NM_001306220.3); short protein forms T199A, T257A, T269A, T38A, T87A.
Identifiers: ClinVar variation 4763051 (VCV004763051.1).

ClinVar aggregate classification (germline): Uncertain significance (1 of 4 stars; one submission).

Submission:

Labcorp Genetics (formerly Invitae), Labcorp
Classification: Uncertain significance. Last evaluated: 2025-10-01. Review status: criteria provided, single submitter. Criteria: Invitae Variant Classification Sherloc (09022015). Collection method: clinical testing. Allele origin: germline.
Comment: This sequence change replaces threonine, which is neutral and polar, with alanine, which is neutral and non-polar, at codon 257 of the TCF12 protein (p.Thr257Ala). This variant is present in population databases (no rsID available, gnomAD 0.0009%). This variant has not been reported in the literature in individuals affected with TCF12-related conditions. Invitae Evidence Modeling of protein sequence and biophysical properties (such as structural, functional, and spatial information, amino acid conservation, physicochemical variation, residue mobility, and thermodynamic stability) indicates that this missense variant is not expected to disrupt TCF12 protein function with a negative predictive value of 80%. In summary, the available evidence is currently insufficient to determine the role of this variant in disease. Therefore, it has been classified as a Variant of Uncertain Significance.